The following is an entry in ClinVar:

ClinVar aggregate classification (germline): Uncertain significance (1 of 4 stars; one submission).

Conditions:
Hereditary cancer-predisposing syndrome. Also called: Neoplastic Syndromes, Hereditary; Tumor predisposition; Hereditary neoplastic syndrome; Hereditary Cancer Syndrome. Identifiers: Orphanet 140162, MedGen C0027672, MeSH D009386, MONDO:0015356.

Submission:

Ambry Genetics
Classification: Uncertain significance for Hereditary cancer-predisposing syndrome. Last evaluated: 2026-06-22. Review status: criteria provided, single submitter. Criteria: Ambry Variant Classification Scheme 2023. Collection method: clinical testing. Allele origin: germline.
Comment: The c.194_203del10insTTCCCAT variant (also known as p.S65_K68delinsFPM), located in coding exon 1 of the MSH6 gene, results from an in-frame deletion of CACCGCCCAA and insertion of TTCCCAT at nucleotide positions 194 to 203. This results in the substitution of the SPPK residues for FPM residues at codons 65 to 68. This amino acid region is not well conserved in available vertebrate species. In addition, this variant is predicted to be neutral by in silico analysis (Choi Y et al. PLoS ONE. 2012; 7(10):e46688). Based on the available evidence, the clinical significance of this variant remains unclear.

NM_000179.3(MSH6):c.194_203delinsTTCCCAT (p.Ser65_Lys68delinsPheProMet)

Gene: MSH6 (mutS homolog 6; plus strand). Cytogenetic location: 2p16.3.
Variant type: Indel.
Coding change: c.194_203delinsTTCCCAT on transcript NM_000179.3 (MANE Select); coding-DNA positions 194 to 203, CACCGCCCAA replaced by TTCCCAT.
Protein change: p.Ser65_Lys68delinsPheProMet.
Molecular consequence: inframe indel. On other transcripts: 5 prime UTR variant (7), non-coding transcript variant (5), intron variant (5).
Genome position (GRCh38, 1-based): chr2:47,783,427-47,783,436, CACCGCCCAA replaced by TTCCCAT. VCF-style: chr2-47783427-CACCGCCCAA-TTCCCAT. GRCh37 (hg19) VCF-style: chr2-48010566-CACCGCCCAA-TTCCCAT.
Other names: c.139_148delinsTTCCCAT, p.His47_Arg50delinsPheProTrp (NM_001406804.1); c.-735_-726delinsTTCCCAT (NM_001406807.1); c.194_203delinsTTCCCAT, p.Ser65_Lys68delinsPheProMet (NM_001406808.1, NM_001406809.1, NM_001406813.1 and 9 more transcripts); c.-543_-534delinsTTCCCAT (NM_001406811.1, NM_001281493.2); c.-390_-381delinsTTCCCAT (NM_001406812.1); c.-801_-792delinsTTCCCAT (NM_001406814.1); c.-346_-337delinsTTCCCAT (NM_001406816.1); c.-38+196_-38+205delinsTTCCCAT (NM_001406805.1, NM_001406797.1, NM_001406801.1); and 4 more.
Identifiers: ClinVar variation 5024869 (VCV005024869.1).